The following is an entry in ClinVar:

NM_001105206.3(LAMA4):c.1446T>G (p.Asn482Lys)

Gene: LAMA4 (laminin subunit alpha 4; minus strand). Cytogenetic location: 6q21.
Variant type: single nucleotide variant.
Coding change: c.1446T>G on transcript NM_001105206.3 (MANE Select); coding-DNA position 1446, T replaced by G.
Protein change: p.Asn482Lys; replaces asparagine 482 with lysine.
Molecular consequence: missense variant.
Genome position (GRCh38, 1-based): chr6:112,172,716, A>C on the plus strand (T>G on the coding strand, the complement: LAMA4 is on the minus strand). VCF-style: chr6-112172716-A-C. GRCh37 (hg19) VCF-style: chr6-112493918-A-C.
Other names: c.1425T>G, p.Asn475Lys (NM_001105207.3, NM_002290.5); short protein forms N475K, N482K.
Identifiers: ClinVar variation 3695108 (VCV003695108.2).

ClinVar aggregate classification (germline): Uncertain significance (1 of 4 stars; one submission).

Conditions:
Dilated cardiomyopathy 1JJ (CMD1JJ). Identifiers: Orphanet 154, MedGen C3808935, MONDO:0014095, OMIM 615235.

Submission:

Labcorp Genetics (formerly Invitae), Labcorp
Classification: Uncertain significance for Dilated cardiomyopathy 1JJ. Last evaluated: 2024-05-23. Review status: criteria provided, single submitter. Criteria: Invitae Variant Classification Sherloc (09022015). Collection method: clinical testing. Allele origin: germline.
Comment: This sequence change replaces asparagine, which is neutral and polar, with lysine, which is basic and polar, at codon 475 of the LAMA4 protein (p.Asn475Lys). This variant is not present in population databases (gnomAD no frequency). This variant has not been reported in the literature in individuals affected with LAMA4-related conditions. An algorithm developed to predict the effect of missense changes on protein structure and function (PolyPhen-2) suggests that this variant is likely to be tolerated. In summary, the available evidence is currently insufficient to determine the role of this variant in disease. Therefore, it has been classified as a Variant of Uncertain Significance.